The following is an entry in ClinVar:

ClinVar aggregate classification (germline): Benign/Likely benign. Review status: criteria provided, multiple submitters, no conflicts (2 of 4 stars). 7 submissions from 7 submitters: Benign (2); Likely benign (3). 2 of the submissions do not count toward it. Last evaluated 2026-06-01.

Conditions:
Singleton-Merten syndrome 2 (SGMRT2). Identifiers: Orphanet 85191, MedGen C4225380, MONDO:0014575, OMIM 616298.

Allele frequency attached by ClinVar (database versions not stated): 1000 Genomes Project 0.00140; 1000 Genomes Project 30x 0.00172; gnomAD 0.00207 and 0.00219; TOPMed 0.00211; ExAC 0.00244; ESP Exome Variant Server 0.00246; gnomAD exomes 0.00259 and 0.00381.
gnomAD v4.1: 5,883 of 1,614,084 alleles (0.36%); highest among the groups gnomAD compares: South Asian, 0.51%; 27 homozygotes.

Submissions (7):

CeGaT Center for Human Genetics Tuebingen
Classification: Likely benign. Last evaluated: 2026-06-01. Review status: criteria provided, single submitter. Criteria: CeGaT Center For Human Genetics Tuebingen Variant Classification Criteria Version 2. Collection method: clinical testing. Allele origin: germline. Affected: yes. Observed: 1 variant allele.
Comment: ENSG00000288684: BS2; RIGI: BP4, BP7, BS2

Labcorp Genetics (formerly Invitae), Labcorp
Classification: Benign. Last evaluated: 2026-02-02. Review status: criteria provided, single submitter. Criteria: Invitae Variant Classification Sherloc (09022015). Collection method: clinical testing. Allele origin: germline.

Mayo Clinic Laboratories, Mayo Clinic
Classification: Likely benign. Last evaluated: 2025-11-26. Review status: criteria provided, single submitter. Criteria: ACMG Guidelines, 2015. Collection method: clinical testing. Allele origin: germline. Observed: 2 variant alleles.
Comment: BS2, BP4, BP7

Blueprint Genetics
Classification: Likely benign. Last evaluated: 2024-11-22. Review status: criteria provided, single submitter. Criteria: ACMG Guidelines, 2015. Collection method: clinical testing. Allele origin: germline.

Genome-Nilou Lab
Classification: Benign for Singleton-Merten syndrome 2. Last evaluated: 2021-05-18. Review status: criteria provided, single submitter. Criteria: ACMG Guidelines, 2015. Collection method: clinical testing. Allele origin: germline. Affected: no.

Clinical Genetics DNA and cytogenetics Diagnostics Lab, Erasmus MC, Erasmus Medical Center
Classification: Likely benign. Review status: no assertion criteria provided. Collection method: clinical testing. Allele origin: germline. Affected: yes. Study: VKGL Data-share Consensus. Not counted in ClinVar's aggregate classification.

Genome Diagnostics Laboratory, University Medical Center Utrecht
Classification: Likely benign. Review status: no assertion criteria provided. Collection method: clinical testing. Allele origin: germline. Affected: yes. Study: VKGL Data-share Consensus. Not counted in ClinVar's aggregate classification.

NM_014314.4(RIGI):c.1059C>T (p.Asn353=)

Gene: RIGI (RNA sensor RIG-I; minus strand). Cytogenetic location: 9p21.1.
Variant type: single nucleotide variant.
Coding change: c.1059C>T on transcript NM_014314.4 (MANE Select); coding-DNA position 1059, C replaced by T.
Protein change: p.Asn353=; no amino-acid change (asparagine 353 retained).
Molecular consequence: synonymous variant.
Genome position (GRCh38, 1-based): chr9:32,488,098, G>A on the plus strand (C>T on the coding strand, the complement: RIGI is on the minus strand). VCF-style: chr9-32488098-G-A. GRCh37 (hg19) VCF-style: chr9-32488096-G-A.
Other names: p.Asn353=.
Identifiers: ClinVar variation 713116 (VCV000713116.20), dbSNP rs45471397, ClinGen allele CA5019924.
Genomic context (GRCh38, chr9:32,488,098, plus strand): 5'-TTCATCAAATATCATCAAAGTAAAGATGGATAGTGATGGAATCGTTCCCTTTTTAAGGTT[G>A]TTCACAAGAATCTGTGGAGTTAAAATGATGATGTCATTGTTCTCAACAATCTGTTCCACT-3'
Protein context (NP_055129.2, residues 343-363): IIILTPQILV[Asn353=]NLKKGTIPSL